The following is an entry in ClinVar:

NM_001453.3(FOXC1):c.254C>T (p.Ala85Val)

Genes: FOXC1 (forkhead box C1; plus strand), LOC129995601 (ATAC-STARR-seq lymphoblastoid active region 23864; plus strand). Cytogenetic location: 6p25.3.
Variant type: single nucleotide variant.
Coding change: c.254C>T on transcript NM_001453.3 (MANE Select); coding-DNA position 254, C replaced by T.
Protein change: p.Ala85Val; replaces alanine 85 with valine.
Molecular consequence: missense variant.
Genome position (GRCh38, 1-based): chr6:1,610,699, C>T. VCF-style: chr6-1610699-C-T. GRCh37 (hg19) VCF-style: chr6-1610934-C-T.
Other names: short protein forms A85V.
Identifiers: ClinVar variation 426221 (VCV000426221.2), dbSNP rs1085307508, ClinGen allele CA362558413.

ClinVar aggregate classification (germline): Likely pathogenic (1 of 4 stars; one submission).

Submission:

GeneDx
Classification: Likely pathogenic. Last evaluated: 2017-04-25. Review status: criteria provided, single submitter. Criteria: GeneDx Variant Classification (06012015). Collection method: clinical testing. Allele origin: germline. Affected: yes.
Comment: The A85V variant has been published previously in association with Axenfeld-Rieger syndrome (Kumari et al., 2012). The variant is not observed in large population cohorts (Lek et al., 2016; 1000 Genomes Consortium et al., 2015; Exome Variant Server). A85V is a conservative amino acid substitution, which is not likely to impact secondary protein structure as these residues share similar properties. However, this substitution occurs at a position that is conserved across species, and in silico analysis predicts this variant is probably damaging to the protein structure/function. Missense variants in the same codon (A85P) and in nearby residues (S82T, I87M) have been reported in the Human Gene Mutation Database in association with Axenfeld-Rieger syndrome (Stenson et al., 2014), supporting the functional importance of this region of the protein. Additionally, the S82R, L86F/P, and A90V variants have been observed in affected individuals at GeneDx. In summary, this variant is likely pathogenic; however, the possibility that it is benign cannot be excluded.